The following is an entry in ClinVar:

ClinVar aggregate classification (germline): Uncertain significance (1 of 4 stars; one submission).

Conditions:
Ataxia-pancytopenia syndrome (ATXPC). Also called: SAMD9L Ataxia-Pancytopenia Syndrome; SAMD9L-Related Syndrome. Identifiers: Orphanet 2585, MedGen C1327919, MONDO:0008038, OMIM 159550.

Submission:

3billion
Classification: Uncertain significance for Ataxia-pancytopenia syndrome. Last evaluated: 2024-10-26. Review status: criteria provided, single submitter. Criteria: ACMG Guidelines, 2015. Collection method: clinical testing. Allele origin: germline. Affected: yes.
Comment: The variant is not observed in the gnomAD v4.1.0 dataset. Predicted Consequence/Location: Missense variant. Missense changes are a common disease-causing mechanism. In silico tool predictions suggest no damaging effect of the variant on gene or gene product [REVEL: 0.08 (<0.4); 3Cnet: 0.00 (<0.15, specificity 0.78 and negative predictive value 0.92)]. Therefore, this variant is classified as VUS according to the recommendation of ACMG/AMP guideline.

NM_152703.5(SAMD9L):c.3980A>G (p.Asn1327Ser)

Gene: SAMD9L (sterile alpha motif domain containing 9 like; minus strand). Cytogenetic location: 7q21.2.
Variant type: single nucleotide variant.
Coding change: c.3980A>G on transcript NM_152703.5 (MANE Select); coding-DNA position 3980, A replaced by G.
Protein change: p.Asn1327Ser; replaces asparagine 1327 with serine.
Molecular consequence: missense variant.
Genome position (GRCh38, 1-based): chr7:93,131,992, T>C on the plus strand (A>G on the coding strand, the complement: SAMD9L is on the minus strand). VCF-style: chr7-93131992-T-C. GRCh37 (hg19) VCF-style: chr7-92761305-T-C.
Other names: c.3980A>G, p.Asn1327Ser (NM_001350082.2, NM_001350083.2, NM_001350084.2 and 5 more transcripts); short protein forms N1327S.
Identifiers: ClinVar variation 4292701 (VCV004292701.1).